The following is an entry in ClinVar:

ClinVar aggregate classification (germline): Conflicting classifications of pathogenicity. Review status: criteria provided, conflicting classifications (1 of 4 stars). 13 submissions from 13 submitters: Likely pathogenic (1); Uncertain significance (6); Likely benign (5). 1 of the submissions does not count toward it. Last evaluated 2026-03-01.

Conditions:
SBF2-related disorder. Also called: SBF2-related condition.
Inborn genetic diseases. Identifiers: MedGen C0950123, MeSH D030342.
Charcot-Marie-Tooth disease. Also called: Charcot-Marie-Tooth Neuropathy; Charcot-Marie-Tooth Hereditary Neuropathy. Identifiers: Orphanet 166, MedGen C0007959, MONDO:0015626.
Tip-toe gait. Also called: Toe walking. Identifiers: MedGen C0427144, HP:0030051.
Charcot-Marie-Tooth disease type 4. Also called: Charcot-Marie-Tooth, Type 4; Charcot-Marie-Tooth disease, type IV. Identifiers: Orphanet 64749, MedGen C4082197, MONDO:0018995.
Charcot-Marie-Tooth disease type 4B2. Also called: Charcot-Marie-Tooth Neuropathy Type 4B2; CHARCOT-MARIE-TOOTH DISEASE, WITH FOCALLY FOLDED MYELIN SHEATHS, AUTOSOMAL RECESSIVE, TYPE 4B2; CMT 4B2; CHARCOT-MARIE-TOOTH DISEASE, DEMYELINATING, TYPE 4B2. Identifiers: Orphanet 99956, MedGen C1858278, MONDO:0011475, OMIM 604563.

Allele frequency attached by ClinVar (database versions not stated): ESP Exome Variant Server 0.00031; gnomAD 0.00054 and 0.00064; TOPMed 0.00067; ExAC 0.00081; gnomAD exomes 0.00084 and 0.00104; 1000 Genomes Project 30x 0.00094; 1000 Genomes Project 0.00100.
gnomAD v4.1: 1,313 of 1,614,142 alleles (0.081%); highest among the groups gnomAD compares: Admixed American, 0.32%; 3 homozygotes.

Submissions (13):

CeGaT Center for Human Genetics Tuebingen
Classification: Likely benign. Last evaluated: 2026-03-01. Review status: criteria provided, single submitter. Criteria: CeGaT Center For Human Genetics Tuebingen Variant Classification Criteria Version 2. Collection method: clinical testing. Allele origin: germline. Affected: yes. Observed: 5 variant alleles.
Comment: SBF2: BP1

Labcorp Genetics (formerly Invitae), Labcorp
Classification: Likely benign for Charcot-Marie-Tooth disease type 4. Last evaluated: 2026-02-02. Review status: criteria provided, single submitter. Criteria: Invitae Variant Classification Sherloc (09022015). Collection method: clinical testing. Allele origin: germline.

Blueprint Genetics
Classification: Likely benign. Last evaluated: 2024-11-11. Review status: criteria provided, single submitter. Criteria: ACMG Guidelines, 2015. Collection method: clinical testing. Allele origin: germline.

ARUP Laboratories, Molecular Genetics and Genomics, ARUP Laboratories
Classification: Uncertain significance for Charcot-Marie-Tooth disease type 4B2. Last evaluated: 2023-09-06. Review status: criteria provided, single submitter. Criteria: ARUP Molecular Germline Variant Investigation Process 2024. Collection method: clinical testing. Allele origin: germline.
Comment: The SBF2 c.3290C>A; p.Thr1097Asn variant (rs141894081) is reported in the literature in two individuals undergoing CMT testing (Volodarsky 2021); however, the variant was not determined to be causative. The variant is reported in the ClinVar database (Variation ID: 246062) and is listed in the Latino population with an allele frequency of 0.35% (124/35,440 alleles) in the Genome Aggregation Database. The threonine at codon 1097 is highly conserved but computational analyses are uncertain whether this variant is neutral or deleterious (REVEL: 0.198). While the high population frequency suggests that this is likely a benign variant, given the lack of clinical and functional data, the significance of the p.Thr1097Asn variant is uncertain at this time. REFERENCES Volodarsky M et al. Comprehensive genetic sequence and copy number analysis for Charcot-Marie-Tooth disease in a Canadian cohort of 2517 patients. J Med Genet. 2021 Apr;58(4):284-288. PMID: 32376792.

Athena Diagnostics
Classification: Uncertain significance. Last evaluated: 2023-03-28. Review status: criteria provided, single submitter. Criteria: Athena Diagnostics Criteria. Collection method: clinical testing. Allele origin: unknown.
Comment: Available data are insufficient to determine the clinical significance of the variant at this time. The frequency of this variant in the general population is higher than would generally be expected for pathogenic variants in this gene. Computational tools disagree on the variant's effect on normal protein function.

Ambry Genetics
Classification: Likely benign for Inborn genetic diseases. Last evaluated: 2021-08-17. Review status: criteria provided, single submitter. Criteria: Ambry Variant Classification Scheme 2023. Collection method: clinical testing. Allele origin: germline.

Practice for Gait Abnormalities, David Pomarino, Competency Network Toe Walking C/o Practice Pomarino
Classification: Likely pathogenic for Tip-toe gait. Last evaluated: 2021-05-31. Review status: criteria provided, single submitter. Criteria: ACMG Guidelines, 2015. Collection method: clinical testing. Allele origin: maternal, unknown. Affected: yes.
Comment: We examined a family. Hereditary motor sensory neuropathy (HMSN), also known as Charcot-Marie-Tooth Disease (CMT), is the most commonly inherited peripheral polyneuropathy. It constitutes a group of inherited, progressive, motor and sensory peripheral nerve disorders with properties of demyelination, axonal degeneration, or both. It is classified by clinical characteristics, modes of inheritance, electrophysiologic features, metabolic defects, and specific gene markers. Our patients all walk on tiptoe, so they show similar symptoms. When we genetically test them with our toe walking panel, we find that around 90 per cent of them have a genetic variant that explains their toe walking. These can be assigned, for example, to the area of myopathies (such as variants of the COL6A3 gene), the area of hereditary neuropathies (such as variants of the KMT2C gene) or the area of metabolic diseases (such as variants of the PYGM gene). In a smaller group of patients with almost identical symptoms, no abnormality is found in the genes of our panel, but spastic paraplegia can be detected. In another small group of our toe walkers, no abnormalities can be detected in the genes analysed in our toe walking panel, nor do they suffer from spastic paraplegia, as is also the case with healthy children. In contrast to these, however, they show a tiptoe gait. These patients suffer from infantile cerebral palsy, in which toe walking can also be observed.

GeneDx
Classification: Likely benign. Last evaluated: 2020-10-30. Review status: criteria provided, single submitter. Criteria: GeneDx Variant Classification Process June 2021. Collection method: clinical testing. Allele origin: germline. Affected: yes.
Comment: This variant is associated with the following publications: (PMID: 32376792)

Mayo Clinic Laboratories, Mayo Clinic
Classification: Uncertain significance. Last evaluated: 2019-06-09. Review status: criteria provided, single submitter. Criteria: ACMG Guidelines, 2015. Collection method: clinical testing. Allele origin: germline. Observed: 1 variant allele.

Institute of Human Genetics, University of Leipzig Medical Center
Classification: Uncertain significance for Charcot-Marie-Tooth disease type 4B2. Last evaluated: 2019-01-01. Review status: criteria provided, single submitter. Criteria: ACMG Guidelines, 2015. Collection method: clinical testing. Allele origin: unknown. Affected: yes.
Comment: This variant was identified as compound heterozygous.

Illumina Laboratory Services, Illumina
Classification: Uncertain significance for Charcot-Marie-Tooth disease type 4B2. Last evaluated: 2018-01-12. Review status: criteria provided, single submitter. Criteria: ICSL Variant Classification Criteria 13 December 2019. Collection method: clinical testing. Allele origin: germline.

Molecular Genetics Laboratory, London Health Sciences Centre
Classification: Uncertain significance for Charcot-Marie-Tooth disease. Review status: criteria provided, single submitter. Criteria: ACMG Guidelines, 2015. Collection method: clinical testing. Allele origin: germline. Affected: yes.

PreventionGenetics, part of Exact Sciences
Classification: Likely benign for SBF2-related condition. Last evaluated: 2022-02-26. Review status: no assertion criteria provided. Collection method: clinical testing. Allele origin: germline. Not counted in ClinVar's aggregate classification.
Comment: This variant is classified as likely benign based on ACMG/AMP sequence variant interpretation guidelines (Richards et al. 2015 PMID: 25741868, with internal and published modifications).

Literature cited by the submitters: PubMed 32376792 (cited by Athena Diagnostics); PubMed 29590070 (cited by Athena Diagnostics); PubMed 22730194 (cited by Athena Diagnostics); PubMed 28440294 (cited by Athena Diagnostics); PubMed 32906206 (cited by Athena Diagnostics); PubMed 37091313 (cited by Practice for Gait Abnormalities, David Pomarino, Competency Network Toe Walking C/o Practice Pomarino).

NM_030962.4(SBF2):c.3290C>A (p.Thr1097Asn)

Genes: SBF2 (SET binding factor 2; minus strand), LOC101928008 (uncharacterized LOC101928008; plus strand). Cytogenetic location: 11p15.4.
Variant type: single nucleotide variant.
Coding change: c.3290C>A on transcript NM_030962.4 (MANE Select); coding-DNA position 3290, C replaced by A.
Protein change: p.Thr1097Asn; replaces threonine 1097 with asparagine.
Molecular consequence: missense variant.
Genome position (GRCh38, 1-based): chr11:9,839,663, G>T on the plus strand (C>A on the coding strand, the complement: SBF2 is on the minus strand). VCF-style: chr11-9839663-G-T. GRCh37 (hg19) VCF-style: chr11-9861210-G-T.
Other names: c.3290C>A, p.Thr1097Asn (NM_001386339.1); c.3161C>A, p.Thr1054Asn (NM_001386342.1); short protein forms T1097N, T1054N.
Identifiers: ClinVar variation 246062 (VCV000246062.76), dbSNP rs141894081, ClinGen allele CA5881312.